The following is an entry in ClinVar:

NM_004364.5(CEBPA):c.142G>A (p.Ala48Thr)

Gene: CEBPA (CCAAT enhancer binding protein alpha; minus strand). Cytogenetic location: 19q13.11.
Variant type: single nucleotide variant.
Coding change: c.142G>A on transcript NM_004364.5 (MANE Select); coding-DNA position 142, G replaced by A.
Protein change: p.Ala48Thr; replaces alanine 48 with threonine.
Molecular consequence: missense variant. On other transcripts: 5 prime UTR variant (1).
Genome position (GRCh38, 1-based): chr19:33,302,273, C>T on the plus strand (G>A on the coding strand, the complement: CEBPA is on the minus strand). VCF-style: chr19-33302273-C-T. GRCh37 (hg19) VCF-style: chr19-33793179-C-T.
Other names: c.247G>A, p.Ala83Thr (NM_001287424.2); c.100G>A, p.Ala34Thr (NM_001287435.2); c.-216G>A (NM_001285829.2); c.142G>A (NM_004364.3); short protein forms A83T, A48T, A34T.
Identifiers: ClinVar variation 944568 (VCV000944568.10), dbSNP rs892805896, ClinGen allele CA307844429.

ClinVar aggregate classification (germline): Uncertain significance. Review status: criteria provided, multiple submitters, no conflicts (2 of 4 stars). 2 submissions from 2 submitters: Uncertain significance (2). Last evaluated 2025-11-09.

Conditions:
Inborn genetic diseases. Identifiers: MedGen C0950123, MeSH D030342.
Acute myeloid leukemia (AML). Also called: Acute myeloid leukemia, adult; AML adult; Acute non-lymphocytic leukemia; Acute granulocytic leukemia; Leukemia, acute myelogenous, somatic; Leukemia, acute myeloid, somatic. Identifiers: Orphanet 519, MedGen C0023467, MeSH D015470, MONDO:0018874, OMIM 601626, HP:0004808. Disease mechanism: Constitutively activated FLT3.

Allele frequency attached by ClinVar (database versions not stated): gnomAD 0.00004; TOPMed 0.00005.

Submissions (2):

Labcorp Genetics (formerly Invitae), Labcorp
Classification: Uncertain significance for Acute myeloid leukemia. Last evaluated: 2025-11-09. Review status: criteria provided, single submitter. Criteria: Invitae Variant Classification Sherloc (09022015). Collection method: clinical testing. Allele origin: germline.
Comment: This sequence change replaces alanine, which is neutral and non-polar, with threonine, which is neutral and polar, at codon 48 of the CEBPA protein (p.Ala48Thr). This variant is present in population databases (no rsID available, gnomAD 0.01%). This variant has not been reported in the literature in individuals affected with CEBPA-related conditions. ClinVar contains an entry for this variant (Variation ID: 944568). Invitae Evidence Modeling of protein sequence and biophysical properties (such as structural, functional, and spatial information, amino acid conservation, physicochemical variation, residue mobility, and thermodynamic stability) indicates that this missense variant is not expected to disrupt CEBPA protein function with a negative predictive value of 80%. In summary, the available evidence is currently insufficient to determine the role of this variant in disease. Therefore, it has been classified as a Variant of Uncertain Significance.

Ambry Genetics
Classification: Uncertain significance for Inborn genetic diseases. Last evaluated: 2025-04-12. Review status: criteria provided, single submitter. Criteria: Ambry Variant Classification Scheme 2023. Collection method: clinical testing. Allele origin: germline.
Comment: The p.A48T variant (also known as c.142G>A), located in coding exon 1 of the CEBPA gene, results from a G to A substitution at nucleotide position 142. The alanine at codon 48 is replaced by threonine, an amino acid with similar properties. This amino acid position is conserved. In addition, this alteration is predicted to be tolerated by in silico analysis. Based on the available evidence, the clinical significance of this variant remains unclear.